The following is an entry in ClinVar:

ClinVar aggregate classification (germline): Uncertain significance (1 of 4 stars; one submission).

Conditions:
Cardiovascular phenotype. Identifiers: MedGen CN230736.

gnomAD v4.1: 1 of 1,342,364 alleles (0.000074%); highest among the groups gnomAD compares: Non-Finnish European, 0.000095%; no homozygotes.

Submission:

Ambry Genetics
Classification: Uncertain significance for Cardiovascular phenotype. Last evaluated: 2024-10-07. Review status: criteria provided, single submitter. Criteria: Ambry Variant Classification Scheme 2023. Collection method: clinical testing. Allele origin: germline.
Comment: The p.A97G variant (also known as c.290C>G), located in coding exon 1 of the GATA4 gene, results from a C to G substitution at nucleotide position 290. The alanine at codon 97 is replaced by glycine, an amino acid with similar properties. This amino acid position is conserved. In addition, the in silico prediction for this alteration is inconclusive. Based on the available evidence, the clinical significance of this variant remains unclear.

NM_001308093.3(GATA4):c.290C>G (p.Ala97Gly)

Gene: GATA4 (GATA binding protein 4). Cytogenetic location: 8p23.1.
Variant type: single nucleotide variant.
Coding change: c.290C>G on transcript NM_001308093.3 (MANE Select); coding-DNA position 290, C replaced by G.
Protein change: p.Ala97Gly; replaces alanine 97 with glycine.
Molecular consequence: missense variant. On other transcripts: intron variant (3).
Genome position (GRCh38, 1-based): chr8:11,708,602, C>G. VCF-style: chr8-11708602-C-G. GRCh37 (hg19) VCF-style: chr8-11566111-C-G.
Other names: c.290C>G, p.Ala97Gly (NM_002052.5); c.-6+7824C>G (NM_001308094.2); c.-3+588C>G (NM_001374274.1); c.-3+4298C>G (NM_001374273.1); short protein forms A97G.
Identifiers: ClinVar variation 3519021 (VCV003519021.1).